The following is an entry in ClinVar:

ClinVar aggregate classification (germline): Pathogenic/Likely pathogenic. Review status: criteria provided, multiple submitters, no conflicts (2 of 4 stars). 2 submissions from 2 submitters: Pathogenic (1); Likely pathogenic (1). Last evaluated 2025-12-03.

Conditions:
Retinitis pigmentosa 39 (RP39). Identifiers: Orphanet 791, MedGen C3151138, MONDO:0013436, OMIM 613809.
Usher syndrome type 2A. Also called: USHER SYNDROME, TYPE IIA; RETINAL DISEASE IN USHER SYNDROME TYPE IIA, MODIFIER OF. Identifiers: Orphanet 231178, Orphanet 886, MedGen C1848634, MONDO:0010169, OMIM 276901.

Submissions (2):

Labcorp Genetics (formerly Invitae), Labcorp
Classification: Pathogenic. Last evaluated: 2025-12-03. Review status: criteria provided, single submitter. Criteria: Invitae Variant Classification Sherloc (09022015). Collection method: clinical testing. Allele origin: germline.
Comment: This sequence change creates a premature translational stop signal (p.Ser1588Hisfs*5) in the USH2A gene. It is expected to result in an absent or disrupted protein product. Loss-of-function variants in USH2A are known to be pathogenic (PMID: 10729113, 10909849, 20507924, 25649381). This variant is not present in population databases (gnomAD no frequency). This variant has not been reported in the literature in individuals affected with USH2A-related conditions. This variant is also known as c.4758+1del. ClinVar contains an entry for this variant (Variation ID: 1454273). Algorithms developed to predict the effect of sequence changes on RNA splicing suggest that this variant may disrupt the consensus splice site. For these reasons, this variant has been classified as Pathogenic.

Fulgent Genetics
Classification: Likely pathogenic for Usher syndrome type 2A; Retinitis pigmentosa 39. Last evaluated: 2024-05-22. Review status: criteria provided, single submitter. Criteria: ACMG Guidelines, 2015. Collection method: clinical testing. Allele origin: germline.

Literature cited by the submitters: PubMed 10729113 (cited by Labcorp Genetics (formerly Invitae), Labcorp); PubMed 10909849 (cited by Labcorp Genetics (formerly Invitae), Labcorp); PubMed 20507924 (cited by Labcorp Genetics (formerly Invitae), Labcorp); PubMed 25649381 (cited by Labcorp Genetics (formerly Invitae), Labcorp).

NM_206933.4(USH2A):c.4758+1del

Gene: USH2A (usherin; minus strand). Cytogenetic location: 1q41.
Variant type: Deletion.
Coding change: c.4758+1del on transcript NM_206933.4 (MANE Select); the canonical splice donor site of the intron after coding-DNA position 4758, one base deleted (G; older notation c.4758+1delG).
Molecular consequence: splice donor variant.
Genome position (GRCh38, 1-based): chr1:216,097,082, C deleted on the plus strand (G on the coding strand, the reverse complement: USH2A is on the minus strand); the first of 2 consecutive C bases (chr1:216,097,082-216,097,083); deleting either gives the same sequence. VCF-style (leftmost placement, unchanged base first): chr1-216097081-AC-A. GRCh37 (hg19) VCF-style: chr1-216270423-AC-A.
Identifiers: ClinVar variation 1454273 (VCV001454273.9), dbSNP rs2102572705, ClinGen allele CA2573131630.